The following is an entry in ClinVar:

NM_031935.3(HMCN1):c.15274T>C (p.Cys5092Arg)

Gene: HMCN1 (hemicentin 1; plus strand). Cytogenetic location: 1q31.1.
Variant type: single nucleotide variant.
Coding change: c.15274T>C on transcript NM_031935.3 (MANE Select); coding-DNA position 15274, T replaced by C.
Protein change: p.Cys5092Arg; replaces cysteine 5092 with arginine.
Molecular consequence: missense variant.
Genome position (GRCh38, 1-based): chr1:186,165,128, T>C. VCF-style: chr1-186165128-T-C. GRCh37 (hg19) VCF-style: chr1-186134260-T-C.
Other names: short protein forms C5092R.
Identifiers: ClinVar variation 1954636 (VCV001954636.5), dbSNP rs1651797122, ClinGen allele CA343927480.

ClinVar aggregate classification (germline): Uncertain significance (1 of 4 stars; one submission).

Allele frequency attached by ClinVar (database versions not stated): TOPMed below 0.00001; gnomAD 0.00001.
gnomAD v4.1: 1 of 1,614,038 alleles (0.000062%); highest among the groups gnomAD compares: Admixed American, 0.0017%; no homozygotes.

Submission:

Labcorp Genetics (formerly Invitae), Labcorp
Classification: Uncertain significance. Last evaluated: 2022-08-05. Review status: criteria provided, single submitter. Criteria: Invitae Variant Classification Sherloc (09022015). Collection method: clinical testing. Allele origin: germline.
Comment: This sequence change replaces cysteine, which is neutral and slightly polar, with arginine, which is basic and polar, at codon 5092 of the HMCN1 protein (p.Cys5092Arg). In summary, the available evidence is currently insufficient to determine the role of this variant in disease. Therefore, it has been classified as a Variant of Uncertain Significance. Algorithms developed to predict the effect of sequence changes on RNA splicing suggest that this variant may create or strengthen a splice site. Algorithms developed to predict the effect of missense changes on protein structure and function are either unavailable or do not agree on the potential impact of this missense change (SIFT: "Deleterious"; PolyPhen-2: "Probably Damaging"; Align-GVGD: "Class C0"). This variant has not been reported in the literature in individuals affected with HMCN1-related conditions. This variant is not present in population databases (gnomAD no frequency).